The following is an entry in ClinVar:

NM_001042492.3(NF1):c.5617G>A (p.Ala1873Thr)

Gene: NF1 (neurofibromin 1; plus strand). Cytogenetic location: 17q11.2.
Variant type: single nucleotide variant.
Coding change: c.5617G>A on transcript NM_001042492.3 (MANE Select); coding-DNA position 5617, G replaced by A.
Protein change: p.Ala1873Thr; replaces alanine 1873 with threonine.
Molecular consequence: missense variant.
Genome position (GRCh38, 1-based): chr17:31,330,303, G>A. VCF-style: chr17-31330303-G-A. GRCh37 (hg19) VCF-style: chr17-29657321-G-A.
Other names: c.5554G>A, p.Ala1852Thr (NM_000267.4); short protein forms A1873T, A1852T.
Identifiers: ClinVar variation 825826 (VCV000825826.4), dbSNP rs1597834618, ClinGen allele CA399010102.
Genomic context (GRCh38, chr17:31,330,303, plus strand): 5'-GAACTATAAGGAAAAATACGTTTTAAAACAACTTCATTTGTGTTTTCTCCTAGGTCAGCT[G>A]CCTATAATCTTCTGTGTGCCTTAACTTGTACCTTTAATTTAAAAATCGAGGGCCAGTTAC-3'
Protein context (NP_001035957.1, residues 1863-1883): GSSDPSLRSA[Ala1873Thr]YNLLCALTCT

ClinVar aggregate classification (germline): Uncertain significance (1 of 4 stars; one submission).

Conditions:
Hereditary cancer-predisposing syndrome. Also called: Neoplastic Syndromes, Hereditary; Tumor predisposition; Hereditary neoplastic syndrome; Hereditary Cancer Syndrome. Identifiers: Orphanet 140162, MedGen C0027672, MeSH D009386, MONDO:0015356.
Cardiovascular phenotype. Identifiers: MedGen CN230736.

Submission:

Ambry Genetics
Classification: Uncertain significance for Cardiovascular phenotype; Hereditary cancer-predisposing syndrome. Last evaluated: 2019-03-11. Review status: criteria provided, single submitter. Criteria: Ambry Variant Classification Scheme 2023. Collection method: clinical testing. Allele origin: germline.
Comment: The p.A1852T variant (also known as c.5554G>A), located in coding exon 38 of the NF1 gene, results from a G to A substitution at nucleotide position 5554. The alanine at codon 1852 is replaced by threonine, an amino acid with similar properties. This amino acid position is highly conserved in available vertebrate species. In addition, this alteration is predicted to be deleterious by in silico analysis. Since supporting evidence is limited at this time, the clinical significance of this alteration remains unclear.